The following is an entry in ClinVar:

NM_152383.5(DIS3L2):c.1728C>T (p.Arg576=)

Gene: DIS3L2 (DIS3 like 3'-5' exoribonuclease 2; plus strand). Cytogenetic location: 2q37.1.
Variant type: single nucleotide variant.
Coding change: c.1728C>T on transcript NM_152383.5 (MANE Select); coding-DNA position 1728, C replaced by T.
Protein change: p.Arg576=; no amino-acid change (arginine 576 retained).
Molecular consequence: synonymous variant. On other transcripts: non-coding transcript variant (2), intron variant (1).
Genome position (GRCh38, 1-based): chr2:232,300,108, C>T. VCF-style: chr2-232300108-C-T. GRCh37 (hg19) VCF-style: chr2-233164818-C-T.
Other names: c.1581+36746C>T (NM_001257281.2).
Identifiers: ClinVar variation 410741 (VCV000410741.11), dbSNP rs763819831, ClinGen allele CA2164245.
Genomic context (GRCh38, chr2:232,300,108, plus strand): 5'-TGCTTTCACTCTGGACCACGAGACCGGATTGCCTCAAGGATGTCATATCTATGAGTACCG[C>T]GAGAGCAACAAGTAAGCCACTCAGTGGGAAAGAGTGTCACTTCACATGTGTGCAGCAGTG-3'
Protein context (NP_689596.4, residues 566-586): LPQGCHIYEY[Arg576=]ESNKLVEEFM

ClinVar aggregate classification (germline): Likely benign. Review status: criteria provided, multiple submitters, no conflicts (2 of 4 stars). 2 submissions from 2 submitters: Likely benign (2). Last evaluated 2026-09-09.

Conditions:
DIS3L2-related disorder. Also called: DIS3L2-related condition.
Perlman syndrome (PRLMNS). Identifiers: Orphanet 2849, MedGen C0796113, MONDO:0009965, OMIM 267000.

Allele frequency attached by ClinVar (database versions not stated): TOPMed below 0.00001; gnomAD 0.00001; gnomAD exomes 0.00004; ExAC 0.00006; 1000 Genomes Project 30x 0.00031.
gnomAD v4.1: 91 of 1,613,588 alleles (0.0056%); highest among the groups gnomAD compares: Non-Finnish European, 0.0072%; no homozygotes.

Submissions (2):

PreventionGenetics, part of Exact Sciences
Classification: Likely benign for DIS3L2-related condition. Last evaluated: 2026-09-09. Review status: criteria provided, single submitter. Criteria: ACMG Guidelines, 2015. Collection method: clinical testing. Allele origin: germline.
Comment: This variant is classified as likely benign based on ACMG/AMP sequence variant interpretation guidelines (Richards et al. 2015 PMID: 25741868, with internal and published modifications).

Labcorp Genetics (formerly Invitae), Labcorp
Classification: Likely benign for Perlman syndrome. Last evaluated: 2024-10-08. Review status: criteria provided, single submitter. Criteria: Invitae Variant Classification Sherloc (09022015). Collection method: clinical testing. Allele origin: germline.